The following is an entry in ClinVar:

ClinVar aggregate classification (germline): Uncertain significance. Review status: criteria provided, multiple submitters, no conflicts (2 of 4 stars). 2 submissions from 2 submitters: Uncertain significance (2). Last evaluated 2024-11-01.

Submissions (2):

Blueprint Genetics
Classification: Uncertain significance. Last evaluated: 2024-11-01. Review status: criteria provided, single submitter. Criteria: ACMG Guidelines, 2015. Collection method: clinical testing. Allele origin: germline.

Labcorp Genetics (formerly Invitae), Labcorp
Classification: Uncertain significance. Last evaluated: 2021-07-18. Review status: criteria provided, single submitter. Criteria: Invitae Variant Classification Sherloc (09022015). Collection method: clinical testing. Allele origin: germline.
Comment: In summary, the available evidence is currently insufficient to determine the role of this variant in disease. Therefore, it has been classified as a Variant of Uncertain Significance. Algorithms developed to predict the effect of missense changes on protein structure and function are either unavailable or do not agree on the potential impact of this missense change (SIFT: "Deleterious"; PolyPhen-2: "Benign"; Align-GVGD: "Class C0"). This variant has not been reported in the literature in individuals affected with CACNA2D4-related conditions. This variant is not present in population databases (ExAC no frequency). This sequence change replaces alanine with valine at codon 1078 of the CACNA2D4 protein (p.Ala1078Val). The alanine residue is moderately conserved and there is a small physicochemical difference between alanine and valine.

NM_172364.5(CACNA2D4):c.3233C>T (p.Ala1078Val)

Gene: CACNA2D4 (calcium voltage-gated channel auxiliary subunit alpha2delta 4; minus strand). Cytogenetic location: 12p13.33.
Variant type: single nucleotide variant.
Coding change: c.3233C>T on transcript NM_172364.5 (MANE Select); coding-DNA position 3233, C replaced by T.
Protein change: p.Ala1078Val; replaces alanine 1078 with valine.
Molecular consequence: missense variant.
Genome position (GRCh38, 1-based): chr12:1,795,375, G>A on the plus strand (C>T on the coding strand, the complement: CACNA2D4 is on the minus strand). VCF-style: chr12-1795375-G-A. GRCh37 (hg19) VCF-style: chr12-1904541-G-A.
Other names: short protein forms A1078V.
Identifiers: ClinVar variation 1368473 (VCV001368473.9), dbSNP rs756482741, ClinGen allele CA383348132.
Genomic context (GRCh38, chr12:1,795,375, plus strand): 5'-TGGCAGGAGTCTGGTCGCCGGCGGAGCTTCTGGGAGCGCATCCGGTCACATTTGACAGAG[G>A]CATTATGTGCAGAAGCCACTGTTAAGGTCAATATCTCAGGACCGGAGCCCATTCTGCAGA-3'
Protein context (NP_758952.4, residues 1068-1088): LQEATEVKYN[Ala1078Val]SVKCDRMRSQ